The following is an entry in ClinVar:

NM_024753.5(TTC21B):c.2741del (p.Cys914fs)

Gene: TTC21B (tetratricopeptide repeat domain 21B; minus strand). Cytogenetic location: 2q24.3.
Variant type: Deletion.
Coding change: c.2741del on transcript NM_024753.5 (MANE Select); coding-DNA position 2741, one base deleted (G; older notation c.2741delG).
Protein change: p.Cys914fs; shifts the reading frame from cysteine 914.
Molecular consequence: frameshift variant.
Genome position (GRCh38, 1-based): chr2:165,901,738, C deleted on the plus strand (G on the coding strand, the reverse complement: TTC21B is on the minus strand). VCF-style (leftmost placement, unchanged base first): chr2-165901737-GC-G. GRCh37 (hg19) VCF-style: chr2-166758247-GC-G.
Other names: c.2741delG (NM_024753.4); short protein forms C914fs.
Identifiers: ClinVar variation 1224329 (VCV001224329.8), dbSNP rs754911118, ClinGen allele CA1941741.

ClinVar aggregate classification (germline): Pathogenic/Likely pathogenic. Review status: criteria provided, multiple submitters, no conflicts (2 of 4 stars). 6 submissions from 6 submitters: Pathogenic (4); Likely pathogenic (2). Last evaluated 2025-12-18.

Conditions:
TTC21B-related disorder. Also called: TTC21B-related condition; TTC21B-related disorders.
Jeune thoracic dystrophy. Also called: Jeune syndrome; Infantile thoracic dystrophy; Thoracic pelvic phalangeal dystrophy; Jeune's syndrome; Chondroectodermal dysplasia-like syndrome; Short-rib thoracic dysplasia. Identifiers: Orphanet 474, MedGen C0265275, MONDO:0018770.
Nephronophthisis. Also called: Juvenile Nephronophthisis. Identifiers: Orphanet 655, MedGen C0687120, MONDO:0019005, HP:0000090.
Asphyxiating thoracic dystrophy 4 (SRTD4). Also called: SHORT-RIB THORACIC DYSPLASIA 4 WITH OR WITHOUT POLYDACTYLY; SHORT-RIB THORACIC DYSPLASIA 4. Identifiers: Orphanet 474, MedGen C3151185, MONDO:0013441, OMIM 613819.
Nephronophthisis 12 (NPHP12). Identifiers: Orphanet 655, MedGen C3151186, MONDO:0013442, OMIM 613820.

Allele frequency attached by ClinVar (database versions not stated): gnomAD 0.00002; gnomAD exomes 0.00002 and 0.00006; TOPMed 0.00002; ExAC 0.00012; ESP Exome Variant Server 0.00016.

Submissions (6):

PreventionGenetics, part of Exact Sciences
Classification: Pathogenic for TTC21B-related condition. Last evaluated: 2025-12-18. Review status: criteria provided, single submitter. Criteria: ACMG Guidelines, 2015. Collection method: clinical testing. Allele origin: germline.
Comment: The TTC21B c.2741delG variant is predicted to result in a frameshift and premature protein termination (p.Cys914Serfs*43). This variant was reported in an individual with skeletal dysplasia alongside another potentially causative variant in the same gene (Supplementary Material, Scocchia et al. 2021. PubMed ID: 34627339). Frameshift variants in TTC21B are expected to be pathogenic. This variant is interpreted as pathogenic for autosomal recessive disease.

Variantyx, Inc.
Classification: Likely pathogenic for Asphyxiating thoracic dystrophy 4. Last evaluated: 2025-12-11. Review status: criteria provided, single submitter. Criteria: Variantyx Assertion Criteria 2022. Collection method: clinical testing. Allele origin: germline. Inheritance: Autosomal recessive inheritance. Affected: no.
Comment: This is a frameshift variant in the TTC21B gene (OMIM: 612014). Pathogenic variants in this gene have been associated with autosomal recessive short-rib thoracic dysplasia 4 with or without polydactyly. This variant introduces a premature termination codon in exon 20 out of 29 and is expected to result in loss of function, which is a known disease mechanism for TTC21B in this disorder (PMID: 21068128, 23559409) (PVS1). This variant has a 0.0023% maximum allele frequency in non-founder control populations (PM2). Based on the current evidence, this variant is classified as likely pathogenic for autosomal recessive short-rib thoracic dysplasia 4 with or without polydactyly.

Labcorp Genetics (formerly Invitae), Labcorp
Classification: Pathogenic for Jeune thoracic dystrophy; Nephronophthisis. Last evaluated: 2025-11-12. Review status: criteria provided, single submitter. Criteria: Invitae Variant Classification Sherloc (09022015). Collection method: clinical testing. Allele origin: germline.
Comment: This sequence change creates a premature translational stop signal (p.Cys914Serfs*43) in the TTC21B gene. It is expected to result in an absent or disrupted protein product. Loss-of-function variants in TTC21B are known to be pathogenic (PMID: 18327258, 21068128, 21258341, 23559409, 24876116, 25492405, 27491411, 29068549). This variant is present in population databases (rs754911118, gnomAD 0.01%). This premature translational stop signal has been observed in individual(s) with TTC21B-related conditions (PMID: 34627339). ClinVar contains an entry for this variant (Variation ID: 1224329). For these reasons, this variant has been classified as Pathogenic.

GeneDx
Classification: Pathogenic. Last evaluated: 2025-09-16. Review status: criteria provided, single submitter. Criteria: GeneDx Variant Classification Process June 2021. Collection method: clinical testing. Allele origin: germline.
Comment: Observed with a second variant in TTC21B in a patient with skeletal dysplasia; the phase of these variants was not reported (PMID: 34627339); Frameshift variant predicted to result in protein truncation or nonsense mediated decay in a gene for which loss of function is a known mechanism of disease; Not observed at significant frequency in large population cohorts (gnomAD); This variant is associated with the following publications: (PMID: 34627339)

Fulgent Genetics
Classification: Pathogenic for Asphyxiating thoracic dystrophy 4; Nephronophthisis 12. Last evaluated: 2024-06-01. Review status: criteria provided, single submitter. Criteria: ACMG Guidelines, 2015. Collection method: clinical testing. Allele origin: germline.

Blueprint Genetics
Classification: Likely pathogenic for TTC21B-related disorders. Last evaluated: 2022-03-21. Review status: criteria provided, single submitter. Criteria: ACMG Guidelines, 2015. Collection method: clinical testing. Allele origin: germline. Affected: yes. Observed: 3 variant alleles.

Literature cited by the submitters: PubMed 21068128 (cited by Variantyx, Inc. and Labcorp Genetics (formerly Invitae), Labcorp); PubMed 23559409 (cited by Variantyx, Inc. and Labcorp Genetics (formerly Invitae), Labcorp); PubMed 18327258 (cited by Labcorp Genetics (formerly Invitae), Labcorp); PubMed 21258341 (cited by Labcorp Genetics (formerly Invitae), Labcorp); PubMed 24876116 (cited by Labcorp Genetics (formerly Invitae), Labcorp); PubMed 25492405 (cited by Labcorp Genetics (formerly Invitae), Labcorp); PubMed 27491411 (cited by Labcorp Genetics (formerly Invitae), Labcorp); PubMed 29068549 (cited by Labcorp Genetics (formerly Invitae), Labcorp); PubMed 34627339 (cited by Labcorp Genetics (formerly Invitae), Labcorp).